The following is an entry in ClinVar:

ClinVar aggregate classification (germline): Uncertain significance (1 of 4 stars; one submission).

Submission:

CeGaT Center for Human Genetics Tuebingen
Classification: Uncertain significance. Last evaluated: 2023-10-01. Review status: criteria provided, single submitter. Criteria: CeGaT Center For Human Genetics Tuebingen Variant Classification Criteria Version 2. Collection method: clinical testing. Allele origin: germline. Affected: yes. Observed: 1 variant allele.
Comment: DYNC1H1: PM2, PP2, PP3

NM_001376.5(DYNC1H1):c.3326A>G (p.Tyr1109Cys)

Gene: DYNC1H1 (dynein cytoplasmic 1 heavy chain 1; plus strand). Cytogenetic location: 14q32.31.
Variant type: single nucleotide variant.
Coding change: c.3326A>G on transcript NM_001376.5 (MANE Select); coding-DNA position 3326, A replaced by G.
Protein change: p.Tyr1109Cys; replaces tyrosine 1109 with cysteine.
Molecular consequence: missense variant.
Genome position (GRCh38, 1-based): chr14:101,994,842, A>G. VCF-style: chr14-101994842-A-G. GRCh37 (hg19) VCF-style: chr14-102461179-A-G.
Other names: short protein forms Y1109C.
Identifiers: ClinVar variation 2644560 (VCV002644560.24), dbSNP rs2503714936, ClinGen allele CA391033485.